The following is an entry in ClinVar:

NM_144499.3(GNAT1):c.359C>A (p.Ser120Ter)

Gene: GNAT1 (G protein subunit alpha transducin 1; plus strand). Cytogenetic location: 3p21.31.
Variant type: single nucleotide variant.
Coding change: c.359C>A on transcript NM_144499.3 (MANE Select); coding-DNA position 359, C replaced by A.
Protein change: p.Ser120Ter; replaces serine 120 with a stop codon.
Molecular consequence: nonsense.
Genome position (GRCh38, 1-based): chr3:50,193,573, C>A. VCF-style: chr3-50193573-C-A. GRCh37 (hg19) VCF-style: chr3-50231006-C-A.
Other names: c.359C>A, p.Ser120Ter (NM_000172.4); short protein forms S120*.
Identifiers: ClinVar variation 855140 (VCV000855140.13), dbSNP rs778497200, ClinGen allele CA2412540.

ClinVar aggregate classification (germline): Conflicting classifications of pathogenicity. Review status: criteria provided, conflicting classifications (1 of 4 stars). 6 submissions from 6 submitters: Pathogenic (4); Likely pathogenic (1); Uncertain significance (1). Last evaluated 2025-12-15.

Conditions:
GNAT1-related disorder. Also called: GNAT1-related condition.
Congenital stationary night blindness autosomal dominant 3. Also called: NIGHT BLINDNESS, CONGENITAL STATIONARY, NOUGARET TYPE. Identifiers: Orphanet 215, MedGen C1864870, MONDO:0012497, OMIM 610444.
Congenital stationary night blindness 1G. Identifiers: Orphanet 215, MedGen C4225345, MONDO:0014614, OMIM 616389.

Allele frequency attached by ClinVar (database versions not stated): gnomAD 0.00002 and 0.00003; TOPMed 0.00002; ExAC 0.00007; gnomAD exomes 0.00010.

Submissions (6):

3billion
Classification: Pathogenic for Congenital stationary night blindness 1G. Last evaluated: 2025-12-15. Review status: criteria provided, single submitter. Criteria: ACMG Guidelines, 2015. Collection method: clinical testing. Allele origin: germline. Affected: yes.
Comment: The variant is observed at an extremely low frequency in the gnomAD v4.1.0 dataset (total allele frequency: 0.003%). Predicted Consequence/Location: Stop-gained (nonsense): predicted to result in a loss or disruption of normal protein function through nonsense-mediated decay (NMD) or protein truncation. Multiple pathogenic variants are reported downstream of the variant. The variant has been reported at least twice as pathogenic without evidence for the classification (ClinVar ID: VCV000855140 /3billion dataset). Therefore, this variant is classified as Pathogenic according to the recommendation of ACMG/AMP guideline.

Labcorp Genetics (formerly Invitae), Labcorp
Classification: Pathogenic. Last evaluated: 2025-12-08. Review status: criteria provided, single submitter. Criteria: Invitae Variant Classification Sherloc (09022015). Collection method: clinical testing. Allele origin: germline.
Comment: This sequence change creates a premature translational stop signal (p.Ser120*) in the GNAT1 gene. It is expected to result in an absent or disrupted protein product. Loss-of-function variants in GNAT1 are known to be pathogenic (PMID: 11095744, 31736247). This variant is present in population databases (rs778497200, gnomAD 0.07%). This variant has not been reported in the literature in individuals affected with GNAT1-related conditions. ClinVar contains an entry for this variant (Variation ID: 855140). For these reasons, this variant has been classified as Pathogenic.

Dasa
Classification: Pathogenic. Last evaluated: 2025-11-28. Review status: criteria provided, single submitter. Criteria: DASA Assertion Criteria. Collection method: clinical testing. Allele origin: germline.
Comment: NM_144499.3(GNAT1):c.359C>A (p.Ser120*) introduces a premature termination codon predicted to result in loss of normal protein function. Loss-of-function is an established mechanism of disease for this gene. This variant has been reported in individuals with related phenotype. The variant is present at low frequency in population datasets. Based on the available data, this variant is classified as pathogenic.

GeneDx
Classification: Uncertain significance. Last evaluated: 2022-12-16. Review status: criteria provided, single submitter. Criteria: GeneDx Variant Classification Process June 2021. Collection method: clinical testing. Allele origin: germline. Affected: yes.
Comment: Has not been previously published as pathogenic or benign to our knowledge; Nonsense variant predicted to result in protein truncation or nonsense mediated decay in a gene for which loss of function is a known mechanism of disease

Blueprint Genetics
Classification: Likely pathogenic for GNAT1-related disorders. Last evaluated: 2021-06-25. Review status: criteria provided, single submitter. Criteria: ACMG Guidelines, 2015. Collection method: clinical testing. Allele origin: germline. Affected: yes. Observed: 3 variant alleles.

DBGen Ocular Genomics
Classification: Pathogenic for Congenital stationary night blindness autosomal dominant 3. Last evaluated: 2021-06-11. Review status: criteria provided, single submitter. Criteria: ACMG Guidelines, 2015. Collection method: clinical testing. Allele origin: germline. Affected: yes. Observed: 1 variant allele.

Literature cited by the submitters: PubMed 11095744 (cited by Labcorp Genetics (formerly Invitae), Labcorp); PubMed 31736247 (cited by Labcorp Genetics (formerly Invitae), Labcorp).